The following is an entry in ClinVar:

ClinVar aggregate classification (germline): Uncertain significance (0 of 4 stars; one submission).

Conditions:
PROKR2-related disorder. Also called: PROKR2-related condition.

gnomAD v4.1: 2 of 1,614,210 alleles (0.00012%); highest among the groups gnomAD compares: Admixed American, 0.0033%; no homozygotes.

Submission:

PreventionGenetics, part of Exact Sciences
Classification: Uncertain significance for PROKR2-related condition. Last evaluated: 2024-04-15. Review status: no assertion criteria provided. Collection method: clinical testing. Allele origin: germline.
Comment: The PROKR2 c.1000G>C variant is predicted to result in the amino acid substitution p.Val334Leu. To our knowledge, this variant has not been reported in the literature. This variant is reported in 0.0058% of alleles in individuals of Latino descent in gnomAD. A different nucleotide substitution affecting the same amino acid (p.Val334Met) has been reported in individuals with Kallmann syndrome (Sarfati et al. 2013. PubMed ID: 24031091; Libri et al. 2014. PubMed ID: 24276467). At this time, the clinical significance of the c.1000G>C (p.Val334Leu) variant is uncertain due to the absence of conclusive functional and genetic evidence.

NM_144773.4(PROKR2):c.1000G>C (p.Val334Leu)

Gene: PROKR2 (prokineticin receptor 2; minus strand). Cytogenetic location: 20p12.3.
Variant type: single nucleotide variant.
Coding change: c.1000G>C on transcript NM_144773.4 (MANE Select); coding-DNA position 1000, G replaced by C.
Protein change: p.Val334Leu; replaces valine 334 with leucine.
Molecular consequence: missense variant.
Genome position (GRCh38, 1-based): chr20:5,302,195, C>G on the plus strand (G>C on the coding strand, the complement: PROKR2 is on the minus strand). VCF-style: chr20-5302195-C-G. GRCh37 (hg19) VCF-style: chr20-5282841-C-G.
Other names: short protein forms V334L.
Identifiers: ClinVar variation 3357487 (VCV003357487.1).
Genomic context (GRCh38, chr20:5,302,195, plus strand): 5'-GACGCCAGTGCAGCAGCATCATCTTCTTGAAGTACTTCATGGTGTTGTTCTTGACCGTCA[C>G]GAAGCACACGGTGTTGATCATGCTGTTGCTCATGGCGATGCACTCGACCACGTAGAAGGC-3'
Protein context (NP_658986.1, residues 324-344): SNSMINTVCF[Val334Leu]TVKNNTMKYF